The following is an entry in ClinVar:

NM_033100.4(CDHR1):c.1882G>A (p.Glu628Lys)

Gene: CDHR1 (cadherin related family member 1; plus strand). Cytogenetic location: 10q23.1.
Variant type: single nucleotide variant.
Coding change: c.1882G>A on transcript NM_033100.4 (MANE Select); coding-DNA position 1882, G replaced by A.
Protein change: p.Glu628Lys; replaces glutamic acid 628 with lysine.
Molecular consequence: missense variant.
Genome position (GRCh38, 1-based): chr10:84,213,190, G>A. VCF-style: chr10-84213190-G-A. GRCh37 (hg19) VCF-style: chr10-85972946-G-A.
Other names: c.1882G>A, p.Glu628Lys (NM_001171971.3); short protein forms E628K.
Identifiers: ClinVar variation 1006772 (VCV001006772.7), dbSNP rs896814669, ClinGen allele CA210387129.

ClinVar aggregate classification (germline): Uncertain significance. Review status: criteria provided, multiple submitters, no conflicts (2 of 4 stars). 2 submissions from 2 submitters: Uncertain significance (2). Last evaluated 2022-09-01.

Allele frequency attached by ClinVar (database versions not stated): gnomAD 0.00001; TOPMed 0.00001.
gnomAD v4.1: 6 of 1,614,106 alleles (0.00037%); highest among the groups gnomAD compares: Non-Finnish European, 0.00051%; no homozygotes.

Submissions (2):

Blueprint Genetics
Classification: Uncertain significance. Last evaluated: 2022-09-01. Review status: criteria provided, single submitter. Criteria: ACMG Guidelines, 2015. Collection method: clinical testing. Allele origin: germline.

Labcorp Genetics (formerly Invitae), Labcorp
Classification: Uncertain significance. Last evaluated: 2022-02-04. Review status: criteria provided, single submitter. Criteria: Invitae Variant Classification Sherloc (09022015). Collection method: clinical testing. Allele origin: germline.
Comment: This sequence change replaces glutamic acid, which is acidic and polar, with lysine, which is basic and polar, at codon 628 of the CDHR1 protein (p.Glu628Lys). This variant is present in population databases (no rsID available, gnomAD 0.007%). This variant has not been reported in the literature in individuals affected with CDHR1-related conditions. ClinVar contains an entry for this variant (Variation ID: 1006772). Advanced modeling of protein sequence and biophysical properties (such as structural, functional, and spatial information, amino acid conservation, physicochemical variation, residue mobility, and thermodynamic stability) performed at Invitae indicates that this missense variant is not expected to disrupt CDHR1 protein function. In summary, the available evidence is currently insufficient to determine the role of this variant in disease. Therefore, it has been classified as a Variant of Uncertain Significance.